The following is an entry in ClinVar:

NM_004168.4(SDHA):c.1598A>T (p.Gln533Leu)

Gene: SDHA (succinate dehydrogenase complex flavoprotein subunit A; plus strand). Cytogenetic location: 5p15.33.
Variant type: single nucleotide variant.
Coding change: c.1598A>T on transcript NM_004168.4 (MANE Select); coding-DNA position 1598, A replaced by T.
Protein change: p.Gln533Leu; replaces glutamine 533 with leucine.
Molecular consequence: missense variant. On other transcripts: intron variant (1).
Genome position (GRCh38, 1-based): chr5:251,038, A>T. VCF-style: chr5-251038-A-T. GRCh37 (hg19) VCF-style: chr5-251153-A-T.
Other names: c.1454A>T, p.Gln485Leu (NM_001294332.2); c.1552-3355A>T (NM_001330758.2); short protein forms Q485L, Q533L.
Identifiers: ClinVar variation 851961 (VCV000851961.10), dbSNP rs1395387473, ClinGen allele CA358998503.

ClinVar aggregate classification (germline): Uncertain significance (1 of 4 stars; one submission).

Conditions:
Mitochondrial complex II deficiency, nuclear type 1. Also called: SUCCINATE CoQ REDUCTASE DEFICIENCY. Identifiers: Orphanet 3208, MedGen C5700310, MONDO:0100294, OMIM 252011.
Pheochromocytoma/paraganglioma syndrome 5. Also called: Paragangliomas 5; SDHA-Related Hereditary Paraganglioma-Pheochromocytoma Syndrome. Identifiers: Orphanet 29072, MedGen C3279992, MONDO:0013602, OMIM 614165.

Submission:

Labcorp Genetics (formerly Invitae), Labcorp
Classification: Uncertain significance for Pheochromocytoma/paraganglioma syndrome 5; Mitochondrial complex II deficiency, nuclear type 1. Last evaluated: 2024-05-28. Review status: criteria provided, single submitter. Criteria: Invitae Variant Classification Sherloc (09022015). Collection method: clinical testing. Allele origin: germline.
Comment: This sequence change replaces glutamine, which is neutral and polar, with leucine, which is neutral and non-polar, at codon 533 of the SDHA protein (p.Gln533Leu). This variant is not present in population databases (gnomAD no frequency). This variant has not been reported in the literature in individuals affected with SDHA-related conditions. ClinVar contains an entry for this variant (Variation ID: 851961). Advanced modeling of protein sequence and biophysical properties (such as structural, functional, and spatial information, amino acid conservation, physicochemical variation, residue mobility, and thermodynamic stability) performed at Invitae indicates that this missense variant is not expected to disrupt SDHA protein function with a negative predictive value of 95%. In summary, the available evidence is currently insufficient to determine the role of this variant in disease. Therefore, it has been classified as a Variant of Uncertain Significance.